The following is an entry in ClinVar:

NM_001164508.2(NEB):c.20606A>T (p.Gln6869Leu)

Gene: NEB (nebulin; minus strand). Cytogenetic location: 2q23.3.
Variant type: single nucleotide variant.
Coding change: c.20606A>T on transcript NM_001164508.2 (MANE Select); coding-DNA position 20606, A replaced by T.
Protein change: p.Gln6869Leu; replaces glutamine 6869 with leucine.
Molecular consequence: missense variant.
Genome position (GRCh38, 1-based): chr2:151,541,523, T>A on the plus strand (A>T on the coding strand, the complement: NEB is on the minus strand). VCF-style: chr2-151541523-T-A. GRCh37 (hg19) VCF-style: chr2-152398037-T-A.
Other names: c.20606A>T, p.Gln6869Leu (NM_001164507.2, NM_001271208.2); c.15503A>T, p.Gln5168Leu (NM_004543.5); short protein forms Q5168L, Q6869L.
Identifiers: ClinVar variation 1943530 (VCV001943530.5), dbSNP rs767001471, ClinGen allele CA1907215.

ClinVar aggregate classification (germline): Uncertain significance (1 of 4 stars; one submission).

Conditions:
Nemaline myopathy 2 (NEM2). Also called: Nemaline myopathy 2, autosomal recessive. Identifiers: MedGen C1850569, MONDO:0009725, OMIM 256030.

Allele frequency attached by ClinVar (database versions not stated): TOPMed below 0.00001; ExAC 0.00001; gnomAD 0.00001; gnomAD exomes 0.00001.
gnomAD v4.1: 4 of 1,613,478 alleles (0.00025%); highest among the groups gnomAD compares: Non-Finnish European, 0.00034%; no homozygotes.

Submission:

Labcorp Genetics (formerly Invitae), Labcorp
Classification: Uncertain significance for Nemaline myopathy 2. Last evaluated: 2022-05-31. Review status: criteria provided, single submitter. Criteria: Invitae Variant Classification Sherloc (09022015). Collection method: clinical testing. Allele origin: germline.
Comment: In summary, the available evidence is currently insufficient to determine the role of this variant in disease. Therefore, it has been classified as a Variant of Uncertain Significance. This sequence change replaces glutamine, which is neutral and polar, with leucine, which is neutral and non-polar, at codon 6869 of the NEB protein (p.Gln6869Leu). This variant is present in population databases (rs767001471, gnomAD 0.002%). This variant has not been reported in the literature in individuals affected with NEB-related conditions. Algorithms developed to predict the effect of missense changes on protein structure and function output the following: SIFT: "Deleterious"; PolyPhen-2: "Not Available"; Align-GVGD: "Class C0". The leucine amino acid residue is found in multiple mammalian species, which suggests that this missense change does not adversely affect protein function.